The following is an entry in ClinVar:

ClinVar aggregate classification (germline): Uncertain significance (1 of 4 stars; one submission).

Conditions:
Inborn genetic diseases. Identifiers: MedGen C0950123, MeSH D030342.

Allele frequency attached by ClinVar (database versions not stated): gnomAD 0.00003; TOPMed 0.00002; 1000 Genomes Project 30x 0.00016.
gnomAD v4.1: 21 of 1,548,320 alleles (0.0014%); highest among the groups gnomAD compares: East Asian, 0.0073%; no homozygotes.

Submission:

Ambry Genetics
Classification: Uncertain significance for Inborn genetic diseases. Last evaluated: 2026-07-28. Review status: criteria provided, single submitter. Criteria: Ambry Variant Classification Scheme 2023. Collection method: clinical testing. Allele origin: germline.
Comment: The c.1067G>A (p.R356Q) alteration is located in exon 11 (coding exon 11) of the DVL1 gene. This alteration results from a G to A substitution at nucleotide position 1067, causing the arginine (R) at amino acid position 356 to be replaced by a glutamine (Q). Based on data from gnomAD, the A allele has an overall frequency of 0.001% (2/183114) total alleles studied. The highest observed frequency was 0.006% (1/16854) of African alleles. Based on insufficient or conflicting evidence, the clinical significance of this alteration remains unclear.

NM_001330311.2(DVL1):c.1067G>A (p.Arg356Gln)

Gene: DVL1 (dishevelled segment polarity protein 1; minus strand). Cytogenetic location: 1p36.33.
Variant type: single nucleotide variant.
Coding change: c.1067G>A on transcript NM_001330311.2 (MANE Select); coding-DNA position 1067, G replaced by A.
Protein change: p.Arg356Gln; replaces arginine 356 with glutamine.
Molecular consequence: missense variant.
Genome position (GRCh38, 1-based): chr1:1,339,427, C>T on the plus strand (G>A on the coding strand, the complement: DVL1 is on the minus strand). VCF-style: chr1-1339427-C-T. GRCh37 (hg19) VCF-style: chr1-1274807-C-T.
Other names: c.1067G>A, p.Arg356Gln (NM_004421.3); short protein forms R356Q.
Identifiers: ClinVar variation 2617764 (VCV002617764.3), dbSNP rs11583882, ClinGen allele CA520222.